The following is an entry in ClinVar:

NM_001110219.3(GJB6):c.489G>A (p.Leu163=)

Gene: GJB6 (gap junction protein beta 6; minus strand). Cytogenetic location: 13q12.11.
Variant type: single nucleotide variant.
Coding change: c.489G>A on transcript NM_001110219.3 (MANE Select); coding-DNA position 489, G replaced by A.
Protein change: p.Leu163=; no amino-acid change (leucine 163 retained).
Molecular consequence: synonymous variant.
Genome position (GRCh38, 1-based): chr13:20,222,992, C>T on the plus strand (G>A on the coding strand, the complement: GJB6 is on the minus strand). VCF-style: chr13-20222992-C-T. GRCh37 (hg19) VCF-style: chr13-20797131-C-T.
Other names: c.489G>A, p.Leu163= (NM_001110220.3, NM_001110221.3, NM_001370090.1 and 3 more transcripts).
Identifiers: ClinVar variation 45503 (VCV000045503.55), dbSNP rs35002004, ClinGen allele CA136461.

ClinVar aggregate classification (germline): Conflicting classifications of pathogenicity. Review status: criteria provided, conflicting classifications (1 of 4 stars). 7 submissions from 7 submitters: Uncertain significance (1); Benign (2); Likely benign (4). Last evaluated 2026-06-01.

Conditions:
Autosomal recessive nonsyndromic hearing loss 1B. Also called: DEAFNESS, AUTOSOMAL RECESSIVE 1B. Identifiers: Orphanet 90636, MedGen C2675235, MONDO:0012977, OMIM 612645.
Autosomal dominant nonsyndromic hearing loss 3B. Identifiers: Orphanet 90635, MedGen C2675237, MONDO:0012975, OMIM 612643.
Hidrotic ectodermal dysplasia syndrome (GJB6). Also called: Ectodermal dysplasia 2, hidrotic; Autosomal dominant hidrotic ectodermal dysplasia; Clouston syndrome; Clouston's hidrotic ectodermal dysplasia; CLOUSTON HIDROTIC ECTODERMAL DYSPLASIA; ECTODERMAL DYSPLASIA 2, CLOUSTON TYPE. Identifiers: Orphanet 189, MedGen C0162361, MONDO:0007510, OMIM 129500.
Autosomal recessive nonsyndromic hearing loss 1A (DFNB1A). Also called: GJB6-Related DFNB 1 Nonsyndromic Hearing Loss and Deafness; Deafness, autosomal recessive 1A; Nonsyndromic Hearing Loss and Deafness, DFNB1; GJB2-Related Autosomal Recessive Nonsyndromic Hearing Loss; Connexin 26 deafness; Deafness nonsyndromic, Connexin 26 linked. Identifiers: Orphanet 90636, MedGen C2673759, MONDO:0009076, OMIM 220290.

Allele frequency attached by ClinVar (database versions not stated): 1000 Genomes Project 0.00140; 1000 Genomes Project 30x 0.00141; gnomAD 0.00300 and 0.00302; TOPMed 0.00310; gnomAD exomes 0.00324; ESP Exome Variant Server 0.00346; ExAC 0.00348.
gnomAD v4.1: 5,328 of 1,614,148 alleles (0.33%); highest among the groups gnomAD compares: Middle Eastern, 0.41%; 19 homozygotes.

Submissions (7):

CeGaT Center for Human Genetics Tuebingen
Classification: Likely benign. Last evaluated: 2026-06-01. Review status: criteria provided, single submitter. Criteria: CeGaT Center For Human Genetics Tuebingen Variant Classification Criteria Version 2. Collection method: clinical testing. Allele origin: germline. Affected: yes. Observed: 10 variant alleles.
Comment: GJB6: BP4, BP7, BS2

Labcorp Genetics (formerly Invitae), Labcorp
Classification: Benign for Autosomal dominant nonsyndromic hearing loss 3B; Hidrotic ectodermal dysplasia syndrome; Autosomal recessive nonsyndromic hearing loss 1B; Autosomal recessive nonsyndromic hearing loss 1A. Last evaluated: 2026-01-15. Review status: criteria provided, single submitter. Criteria: Invitae Variant Classification Sherloc (09022015). Collection method: clinical testing. Allele origin: germline.

Blueprint Genetics
Classification: Likely benign. Last evaluated: 2024-11-21. Review status: criteria provided, single submitter. Criteria: ACMG Guidelines, 2015. Collection method: clinical testing. Allele origin: germline.

GeneDx
Classification: Likely benign. Last evaluated: 2021-07-16. Review status: criteria provided, single submitter. Criteria: GeneDx Variant Classification Process June 2021. Collection method: clinical testing. Allele origin: germline. Affected: yes.
Comment: This variant is associated with the following publications: (PMID: 10610709)

Illumina Laboratory Services, Illumina
Classification: Likely benign for Hidrotic ectodermal dysplasia syndrome. Last evaluated: 2018-01-12. Review status: criteria provided, single submitter. Criteria: ICSL Variant Classification Criteria 13 December 2019. Collection method: clinical testing. Allele origin: germline.
Comment: This variant was observed in the ICSL laboratory as part of a predisposition screen in an ostensibly healthy population. It had not been previously curated by ICSL or reported in the Human Gene Mutation Database (HGMD: prior to June 1st, 2018), and was therefore a candidate for classification through an automated scoring system. Utilizing variant allele frequency, disease prevalence and penetrance estimates, and inheritance mode, an automated score was calculated to assess if this variant is too frequent to cause the disease. Based on the score and internal cut-off values, a variant classified as likely benign is not then subjected to further curation. The score for this variant resulted in a classification of likely benign for this disease.

Eurofins Ntd Llc (ga)
Classification: Uncertain significance. Last evaluated: 2014-02-18. Review status: criteria provided, single submitter. Criteria: EGL Classification Definitions 2015. Collection method: clinical testing. Allele origin: germline. Observed: 6 variant alleles, 6 heterozygotes.

Laboratory for Molecular Medicine, Mass General Brigham Personalized Medicine
Classification: Benign. Last evaluated: 2013-10-17. Review status: criteria provided, single submitter. Criteria: LMM Criteria. Collection method: clinical testing. Allele origin: germline. Observed: 14 variant alleles.
Comment: This variant is not expected to have clinical significance because it does not a lter an amino acid residue, is not located within the splice consensus sequence and has been identified in 0.5% (43/8600) of European American chromosomes by th e NHLBI Exome sequencing project (dbSNP rs350 02004).

Literature cited by the submitters: PubMed 10610709 (cited by Eurofins Ntd Llc (ga) and Laboratory for Molecular Medicine, Mass General Brigham Personalized Medicine).